The following is an entry in ClinVar:

NM_017547.4(FOXRED1):c.-30G>A

Gene: FOXRED1 (FAD dependent oxidoreductase domain containing 1; plus strand). Cytogenetic location: 11q24.2.
Variant type: single nucleotide variant.
Coding change: c.-30G>A on transcript NM_017547.4 (MANE Select); 30 bases upstream of the start codon, G replaced by A.
Molecular consequence: 5 prime UTR variant. On other transcripts: non-coding transcript variant (2).
Genome position (GRCh38, 1-based): chr11:126,269,177, G>A. VCF-style: chr11-126269177-G-A. GRCh37 (hg19) VCF-style: chr11-126139072-G-A.
Identifiers: ClinVar variation 506369 (VCV000506369.2), dbSNP rs201673735, ClinGen allele CA6353897.
Genomic context (GRCh38, chr11:126,269,177, plus strand): 5'-GTCTGAATGGCGTTTGGCGCGGAGCAGTGACGGCTGCGATAATAGCGAGGCAGCAGTGCA[G>A]CTTTCAGAGGGTCCGGGCTCAGAGGGGTTATGATTCGGAGGGTTCTGCCGCACGGCATGG-3'

ClinVar aggregate classification (germline): Likely benign. Review status: criteria provided, multiple submitters, no conflicts (2 of 4 stars). 2 submissions from 2 submitters: Likely benign (2). Last evaluated 2025-02-05.

Conditions:
FOXRED1-related disorder. Also called: FOXRED1-related condition.

Allele frequency attached by ClinVar (database versions not stated): gnomAD exomes 0.00036; ExAC 0.00039; gnomAD 0.00125 and 0.00133; TOPMed 0.00150; 1000 Genomes Project 0.00160; ESP Exome Variant Server 0.00208; 1000 Genomes Project 30x 0.00219.
gnomAD v4.1: 376 of 1,549,550 alleles (0.024%); highest among the groups gnomAD compares: African/African-American, 0.47%; 2 homozygotes.

Submissions (2):

PreventionGenetics, part of Exact Sciences
Classification: Likely benign for FOXRED1-related condition. Last evaluated: 2025-02-05. Review status: criteria provided, single submitter. Criteria: ACMG Guidelines, 2015. Collection method: clinical testing. Allele origin: germline.
Comment: This variant is classified as likely benign based on ACMG/AMP sequence variant interpretation guidelines (Richards et al. 2015 PMID: 25741868, with internal and published modifications).

GeneDx
Classification: Likely benign. Last evaluated: 2017-08-31. Review status: criteria provided, single submitter. Criteria: GeneDx Variant Classification (06012015). Collection method: clinical testing. Allele origin: germline. Affected: yes.
Comment: This variant is considered likely benign or benign based on one or more of the following criteria: it is a conservative change, it occurs at a poorly conserved position in the protein, it is predicted to be benign by multiple in silico algorithms, and/or has population frequency not consistent with disease.